The following is an entry in ClinVar:

NM_181789.4(GLDN):c.743del (p.Gly248fs)

Gene: GLDN (gliomedin; plus strand). Cytogenetic location: 15q21.2.
Variant type: Deletion.
Coding change: c.743del on transcript NM_181789.4 (MANE Select); coding-DNA position 743, one base deleted (G; older notation c.743delG).
Protein change: p.Gly248fs; shifts the reading frame from glycine 248.
Molecular consequence: frameshift variant.
Genome position (GRCh38, 1-based): chr15:51,397,524, G deleted; the last of 2 consecutive G bases (chr15:51,397,523-51,397,524); deleting either gives the same sequence. VCF-style (leftmost placement, unchanged base first): chr15-51397522-AG-A. GRCh37 (hg19) VCF-style: chr15-51689719-AG-A.
Other names: c.371del, p.Gly124fs (NM_001330297.2); short protein forms G248fs, G124fs.
Identifiers: ClinVar variation 5005431 (VCV005005431.2).

ClinVar aggregate classification (germline): Likely pathogenic (1 of 4 stars; one submission).

Conditions:
Lethal congenital contracture syndrome 11 (LCCS11). Identifiers: MedGen C4310670, MONDO:0014965, OMIM 617194.

Submission:

Juno Genomics, Hangzhou Juno Genomics, Inc
Classification: Likely pathogenic for Lethal congenital contracture syndrome 11. Review status: criteria provided, single submitter. Criteria: ACMG Guidelines, 2015. Collection method: clinical testing. Allele origin: germline.
Comment: Null variant in a gene where loss of function (LOF) is a known mechanism of disease.;Absent from controls (or at extremely low frequency if recessive) in Genome Aggregation Database.